The following is an entry in ClinVar:

NM_001130965.3(SUN1):c.14G>A (p.Arg5Gln)

Genes: SUN1 (Sad1 and UNC84 domain containing 1; plus strand), LOC126859921 (P300/CBP strongly-dependent group 1 enhancer GRCh37_chr7:871666-872865; plus strand). Cytogenetic location: 7p22.3.
Variant type: single nucleotide variant.
Coding change: c.14G>A on transcript NM_001130965.3 (MANE Select); coding-DNA position 14, G replaced by A.
Protein change: p.Arg5Gln; replaces arginine 5 with glutamine.
Molecular consequence: missense variant. On other transcripts: 5 prime UTR variant (1), non-coding transcript variant (3), intron variant (30).
Genome position (GRCh38, 1-based): chr7:832,538, G>A. VCF-style: chr7-832538-G-A. GRCh37 (hg19) VCF-style: chr7-872175-G-A.
Other names: c.14G>A, p.Arg5Gln (NM_001171944.2, NM_001171946.2, NM_001367633.1 and 35 more transcripts); c.77G>A, p.Arg26Gln (NM_001171945.2); c.-444G>A (NM_001367635.1); c.297-6260G>A (NM_001367651.1); c.-73-6260G>A (NM_001367666.1, NM_001367655.1, NM_001367691.1 and 24 more transcripts); c.-684-6260G>A (NM_001367658.1); c.-301-9408G>A (NM_001367639.1); short protein forms R26Q, R5Q.
Identifiers: ClinVar variation 2200956 (VCV002200956.4), dbSNP rs370947011, ClinGen allele CA4111353.

ClinVar aggregate classification (germline): Uncertain significance (1 of 4 stars; one submission).

Conditions:
Emery-Dreifuss muscular dystrophy (EDMD). Also called: Scapuloperoneal syndrome, X-linked (formerly); Humeroperoneal neuromuscular disease, (formerly). Identifiers: Orphanet 261, MedGen C0410189, MONDO:0016830.

Allele frequency attached by ClinVar (database versions not stated): gnomAD 0.00001; TOPMed 0.00002; ESP Exome Variant Server 0.00010; 1000 Genomes Project 30x 0.00016; 1000 Genomes Project 0.00020.
gnomAD v4.1: 12 of 1,613,282 alleles (0.00074%); highest among the groups gnomAD compares: South Asian, 0.0033%; no homozygotes.

Submission:

Labcorp Genetics (formerly Invitae), Labcorp
Classification: Uncertain significance for Emery-Dreifuss muscular dystrophy. Last evaluated: 2024-03-07. Review status: criteria provided, single submitter. Criteria: Invitae Variant Classification Sherloc (09022015). Collection method: clinical testing. Allele origin: germline.
Comment: This sequence change replaces arginine, which is basic and polar, with glutamine, which is neutral and polar, at codon 5 of the SUN1 protein (p.Arg5Gln). This variant is present in population databases (rs370947011, gnomAD 0.007%). This variant has not been reported in the literature in individuals affected with SUN1-related conditions. ClinVar contains an entry for this variant (Variation ID: 2200956). An algorithm developed to predict the effect of missense changes on protein structure and function (PolyPhen-2) suggests that this variant is likely to be disruptive. In summary, the available evidence is currently insufficient to determine the role of this variant in disease. Therefore, it has been classified as a Variant of Uncertain Significance.